The following is an entry in ClinVar:

NM_144670.6(A2ML1):c.2864C>T (p.Thr955Ile)

Gene: A2ML1 (alpha-2-macroglobulin like 1; plus strand). Cytogenetic location: 12p13.31.
Variant type: single nucleotide variant.
Coding change: c.2864C>T on transcript NM_144670.6 (MANE Select); coding-DNA position 2864, C replaced by T.
Protein change: p.Thr955Ile; replaces threonine 955 with isoleucine.
Molecular consequence: missense variant.
Genome position (GRCh38, 1-based): chr12:8,857,179, C>T. VCF-style: chr12-8857179-C-T. GRCh37 (hg19) VCF-style: chr12-9009775-C-T.
Other names: c.1391C>T, p.Thr464Ile (NM_001282424.3); short protein forms T464I, T955I.
Identifiers: ClinVar variation 1434566 (VCV001434566.8), dbSNP rs761040296, ClinGen allele CA6436187.

ClinVar aggregate classification (germline): Uncertain significance. Review status: criteria provided, multiple submitters, no conflicts (2 of 4 stars). 2 submissions from 2 submitters: Uncertain significance (2). Last evaluated 2024-02-12.

Allele frequency attached by ClinVar (database versions not stated): gnomAD exomes below 0.00001 and 0.00001; TOPMed below 0.00001; ExAC 0.00001.

Submissions (2):

Ambry Genetics
Classification: Uncertain significance. Last evaluated: 2024-02-12. Review status: criteria provided, single submitter. Criteria: Ambry Variant Classification Scheme 2023. Collection method: clinical testing. Allele origin: germline.
Comment: The p.T955I variant (also known as c.2864C>T), located in coding exon 24 of the A2ML1 gene, results from a C to T substitution at nucleotide position 2864. The threonine at codon 955 is replaced by isoleucine, an amino acid with similar properties. This amino acid position is conserved. In addition, this alteration is predicted to be tolerated by in silico analysis. Since supporting evidence is limited at this time, the clinical significance of this alteration remains unclear.

Labcorp Genetics (formerly Invitae), Labcorp
Classification: Uncertain significance. Last evaluated: 2021-10-01. Review status: criteria provided, single submitter. Criteria: Invitae Variant Classification Sherloc (09022015). Collection method: clinical testing. Allele origin: germline.
Comment: This sequence change replaces threonine with isoleucine at codon 955 of the A2ML1 protein (p.Thr955Ile). The threonine residue is weakly conserved and there is a moderate physicochemical difference between threonine and isoleucine. This variant is present in population databases (rs761040296, ExAC 0.009%). In summary, the available evidence is currently insufficient to determine the role of this variant in disease. Therefore, it has been classified as a Variant of Uncertain Significance. Algorithms developed to predict the effect of missense changes on protein structure and function (SIFT, PolyPhen-2, Align-GVGD) all suggest that this variant is likely to be tolerated. This variant has not been reported in the literature in individuals affected with A2ML1-related conditions.